The following is an entry in ClinVar:

NM_003611.3(OFD1):c.1528C>G (p.Gln510Glu)

Gene: OFD1 (OFD1 centriole and centriolar satellite protein; plus strand). Cytogenetic location: Xp22.2.
Variant type: single nucleotide variant.
Coding change: c.1528C>G on transcript NM_003611.3 (MANE Select); coding-DNA position 1528, C replaced by G.
Protein change: p.Gln510Glu; replaces glutamine 510 with glutamic acid.
Molecular consequence: missense variant.
Genome position (GRCh38, 1-based): chrX:13,757,776, C>G. VCF-style: chrX-13757776-C-G. GRCh37 (hg19) VCF-style: chrX-13775895-C-G.
Other names: c.1408C>G, p.Gln470Glu (NM_001330209.2); c.1108C>G, p.Gln370Glu (NM_001330210.2); short protein forms Q370E, Q470E, Q510E.
Identifiers: ClinVar variation 3758740 (VCV003758740.2).
Genomic context (GRCh38, chrX:13,757,776, plus strand): 5'-GAAAAGGCTATAGTGGTTGAGCATGAGGAGTTCGAAAGCTGCAGGCAAGCTCTGCACAAA[C>G]AACTGCAAGACGAAGTGAGTATTGCTCTTCTTCAGTTCTAGTGTGATACCAGTACACTTC-3'
Protein context (NP_003602.1, residues 500-520): FESCRQALHK[Gln510Glu]LQDEIEHSAQ

ClinVar aggregate classification (germline): Uncertain significance (1 of 4 stars; one submission).

Conditions:
Joubert syndrome. Also called: CEREBELLOPARENCHYMAL DISORDER IV; JOUBERT-BOLTSHAUSER SYNDROME; Familial aplasia of the vermis. Identifiers: Orphanet 475, MedGen C5979921, MONDO:0018772.
Orofaciodigital syndrome I (OFD1). Also called: OFDS I; Papillon-Leage and Psaume Syndrome; Oral-Facial-Digital Syndrome Type I. Identifiers: Orphanet 2750, MedGen C1510460, MONDO:0010702, OMIM 311200.

gnomAD v4.1: 3 of 1,211,232 alleles (0.00025%); highest among the groups gnomAD compares: Non-Finnish European, 0.00022%; no homozygotes.

Submission:

Labcorp Genetics (formerly Invitae), Labcorp
Classification: Uncertain significance for Orofaciodigital syndrome I; Joubert syndrome. Last evaluated: 2024-11-10. Review status: criteria provided, single submitter. Criteria: Invitae Variant Classification Sherloc (09022015). Collection method: clinical testing. Allele origin: germline.
Comment: This sequence change replaces glutamine, which is neutral and polar, with glutamic acid, which is acidic and polar, at codon 510 of the OFD1 protein (p.Gln510Glu). This variant is not present in population databases (gnomAD no frequency). This variant has not been reported in the literature in individuals affected with OFD1-related conditions. Invitae Evidence Modeling of protein sequence and biophysical properties (such as structural, functional, and spatial information, amino acid conservation, physicochemical variation, residue mobility, and thermodynamic stability) indicates that this missense variant is not expected to disrupt OFD1 protein function with a negative predictive value of 80%. In summary, the available evidence is currently insufficient to determine the role of this variant in disease. Therefore, it has been classified as a Variant of Uncertain Significance.